The following is an entry in ClinVar:

ClinVar aggregate classification (germline): Benign/Likely benign. Review status: criteria provided, multiple submitters, no conflicts (2 of 4 stars). 8 submissions from 8 submitters: Benign (3); Likely benign (4). 1 of the submissions does not count toward it. Last evaluated 2026-01-19.

Conditions:
Lymphangiomyomatosis (LAM). Also called: Lymphangioleiomyomatosis; Lymphangioleiomyomatosis, somatic. Identifiers: Orphanet 538, MedGen C0751674, MONDO:0011705, OMIM 606690.
Tuberous sclerosis 2 (TSC2). Identifiers: Orphanet 805, MedGen C1860707, MONDO:0013199, OMIM 613254.
Isolated focal cortical dysplasia type II (FCORD2). Also called: CORTICAL DYSPLASIA OF TAYLOR; Focal cortical dysplasia type II. Identifiers: Orphanet 268994, MedGen C1846385, MONDO:0011818, OMIM 607341, HP:0032051.
Tuberous sclerosis syndrome (TSC). Also called: Tuberous Sclerosis Complex; Tuberous sclerosis. Identifiers: Orphanet 805, MedGen C0041341, MONDO:0001734.

Allele frequency attached by ClinVar (database versions not stated): ExAC 0.00020; gnomAD exomes 0.00032; TOPMed 0.00013; gnomAD 0.00015 and 0.00016.
gnomAD v4.1: 475 of 1,598,292 alleles (0.03%); highest among the groups gnomAD compares: East Asian, 0.12%; no homozygotes.

Submissions (8):

Labcorp Genetics (formerly Invitae), Labcorp
Classification: Benign for Tuberous sclerosis 2. Last evaluated: 2026-01-19. Review status: criteria provided, single submitter. Criteria: Invitae Variant Classification Sherloc (09022015). Collection method: clinical testing. Allele origin: germline.

Blueprint Genetics
Classification: Likely benign. Last evaluated: 2024-10-10. Review status: criteria provided, single submitter. Criteria: ACMG Guidelines, 2015. Collection method: clinical testing. Allele origin: germline.

Genome-Nilou Lab
Classification: Benign for Tuberous sclerosis 2. Last evaluated: 2021-11-07. Review status: criteria provided, single submitter. Criteria: ACMG Guidelines, 2015. Collection method: clinical testing. Allele origin: germline. Affected: no.

Fulgent Genetics
Classification: Likely benign for Lymphangiomyomatosis; Isolated focal cortical dysplasia type II; Tuberous sclerosis 2. Last evaluated: 2021-10-07. Review status: criteria provided, single submitter. Criteria: ACMG Guidelines, 2015. Collection method: clinical testing. Allele origin: unknown.

ARUP Laboratories, Molecular Genetics and Genomics, ARUP Laboratories
Classification: Likely benign. Last evaluated: 2019-06-21. Review status: criteria provided, single submitter. Criteria: ARUP Molecular Germline Variant Investigation Process. Collection method: clinical testing. Allele origin: germline.

GeneDx
Classification: Benign. Last evaluated: 2013-09-04. Review status: criteria provided, single submitter. Criteria: GeneDx Variant Classification (06012015). Collection method: clinical testing. Allele origin: germline. Affected: yes.
Comment: This variant is considered likely benign or benign based on one or more of the following criteria: it is a conservative change, it occurs at a poorly conserved position in the protein, it is predicted to be benign by multiple in silico algorithms, and/or has population frequency not consistent with disease.

PreventionGenetics, part of Exact Sciences
Classification: Likely benign. Review status: criteria provided, single submitter. Criteria: ACMG Guidelines, 2015. Collection method: clinical testing. Allele origin: germline.

Tuberous sclerosis database (TSC2)
No classification provided. Condition: TSC. Review status: no classification provided. Criteria: Tuberous Sclerosis Database Assertion Criteria 2015. Collection method: curation. Allele origin: germline. Affected: no. Not counted in ClinVar's aggregate classification.

NM_000548.5(TSC2):c.4493+17C>T

Gene: TSC2 (TSC complex subunit 2; plus strand). Cytogenetic location: 16p13.3.
Variant type: single nucleotide variant.
Coding change: c.4493+17C>T on transcript NM_000548.5 (MANE Select); 17 bases into the intron after coding-DNA position 4493, C replaced by T.
Molecular consequence: intron variant.
Genome position (GRCh38, 1-based): chr16:2,084,732, C>T. VCF-style: chr16-2084732-C-T. GRCh37 (hg19) VCF-style: chr16-2134733-C-T.
Other names: c.4424+17C>T (NM_001114382.3); c.4364+17C>T (NM_021055.3, NM_001370405.1); c.4295+17C>T (NM_001363528.2); c.4361+17C>T (NM_001370404.1); c.4292+17C>T (NM_001077183.3); c.4184+17C>T (NM_001318827.2); c.3761+17C>T (NM_001318831.2); c.4148+17C>T (NM_001318829.2); and 1 more.
Identifiers: ClinVar variation 49995 (VCV000049995.19), dbSNP rs45517345, ClinGen allele CA020524.
Genomic context (GRCh38, chr16:2,084,732, plus strand): 5'-GCCACAGCCTCCAATGCAGAGAAAGTGCCAGGCATCAACCCCAGGTGGGCCTCTTGCTTC[C>T]GGGCGGGGCTCCTGACACCTCTCCTGCGGGAACCTGGTGCCTCACTTGCCCCAGGCCGAG-3'